The following is an entry in ClinVar:

NM_014244.5(ADAMTS2):c.1208C>T (p.Ala403Val)

Gene: ADAMTS2 (ADAM metallopeptidase with thrombospondin type 1 motif 2; minus strand). Cytogenetic location: 5q35.3.
Variant type: single nucleotide variant.
Coding change: c.1208C>T on transcript NM_014244.5 (MANE Select); coding-DNA position 1208, C replaced by T.
Protein change: p.Ala403Val; replaces alanine 403 with valine.
Molecular consequence: missense variant.
Genome position (GRCh38, 1-based): chr5:179,154,844, G>A on the plus strand (C>T on the coding strand, the complement: ADAMTS2 is on the minus strand). VCF-style: chr5-179154844-G-A. GRCh37 (hg19) VCF-style: chr5-178581845-G-A.
Other names: c.1208C>T, p.Ala403Val (NM_021599.4); short protein forms A403V.
Identifiers: ClinVar variation 537394 (VCV000537394.12), dbSNP rs756455382, ClinGen allele CA3596007.

ClinVar aggregate classification (germline): Uncertain significance. Review status: criteria provided, multiple submitters, no conflicts (2 of 4 stars). 3 submissions from 3 submitters: Uncertain significance (2). 1 of the submissions does not count toward it. Last evaluated 2026-08-18.

Conditions:
Ehlers-Danlos syndrome, dermatosparaxis type. Also called: Dermatosparaxis; Ehlers-Danlos syndrome, type VII, autosomal recessive; EDS VIIC. Identifiers: Orphanet 1901, MedGen C2700425, MONDO:0009161, OMIM 225410.

Allele frequency attached by ClinVar (database versions not stated): ExAC below 0.00001; gnomAD 0.00001 and 0.00002; gnomAD exomes 0.00001.
gnomAD v4.1: 17 of 1,613,080 alleles (0.0011%); highest among the groups gnomAD compares: Admixed American, 0.0017%; no homozygotes.

Submissions (3):

Myriad Genetics, Inc.
Classification: Uncertain significance for Ehlers-Danlos syndrome, dermatosparaxis type. Last evaluated: 2026-08-18. Review status: criteria provided, single submitter. Criteria: Myriad Autosomal Dominant, Autosomal Recessive and X-Linked Classification Criteria (2023). Collection method: clinical testing. Allele origin: unknown.
Comment: NM_014244.4(ADAMTS2):c.1208C>T(A403V) is a missense variant classified as a variant of uncertain significance in the context of Ehlers-Danlos syndrome, ADAMTS2-related. A403V has not been observed in cases with relevant disease. Relevant functional assessments of this variant are not available in the literature. A403V has been observed in referenced population frequency databases. In summary, there is insufficient evidence to classify NM_014244.4(ADAMTS2):c.1208C>T(A403V) as pathogenic or benign. Please note: this variant was assessed in the context of healthy population screening.

Labcorp Genetics (formerly Invitae), Labcorp
Classification: Uncertain significance for Ehlers-Danlos syndrome, dermatosparaxis type. Last evaluated: 2021-08-31. Review status: criteria provided, single submitter. Criteria: Invitae Variant Classification Sherloc (09022015). Collection method: clinical testing. Allele origin: germline.
Comment: This sequence change replaces alanine with valine at codon 403 of the ADAMTS2 protein (p.Ala403Val). The alanine residue is highly conserved and there is a small physicochemical difference between alanine and valine. The frequency data for this variant in the population databases is considered unreliable, as metrics indicate poor data quality at this position in the ExAC database. This variant has not been reported in the literature in individuals affected with ADAMTS2-related conditions. Algorithms developed to predict the effect of missense changes on protein structure and function (SIFT, PolyPhen-2, Align-GVGD) all suggest that this variant is likely to be disruptive. In summary, the available evidence is currently insufficient to determine the role of this variant in disease. Therefore, it has been classified as a Variant of Uncertain Significance.

Natera, Inc.
Classification: Uncertain significance for Ehlers-Danlos syndrome type VIIC. Last evaluated: 2019-10-28. Review status: no assertion criteria provided. Collection method: clinical testing. Allele origin: germline. Not counted in ClinVar's aggregate classification.